The following is an entry in ClinVar:

NM_015450.3(POT1):c.1738C>G (p.Gln580Glu)

Gene: POT1 (protection of telomeres 1; minus strand). Cytogenetic location: 7q31.33.
Variant type: single nucleotide variant.
Coding change: c.1738C>G on transcript NM_015450.3 (MANE Select); coding-DNA position 1738, C replaced by G.
Protein change: p.Gln580Glu; replaces glutamine 580 with glutamic acid.
Molecular consequence: missense variant. On other transcripts: non-coding transcript variant (3).
Genome position (GRCh38, 1-based): chr7:124,825,306, G>C on the plus strand (C>G on the coding strand, the complement: POT1 is on the minus strand). VCF-style: chr7-124825306-G-C. GRCh37 (hg19) VCF-style: chr7-124465360-G-C.
Other names: c.1345C>G, p.Gln449Glu (NM_001042594.2); short protein forms Q449E, Q580E.
Identifiers: ClinVar variation 3226665 (VCV003226665.1), dbSNP rs1046896292, ClinGen allele CA166093009.

ClinVar aggregate classification (germline): Uncertain significance (1 of 4 stars; one submission).

Conditions:
Hereditary cancer-predisposing syndrome. Also called: Neoplastic Syndromes, Hereditary; Tumor predisposition; Hereditary neoplastic syndrome; Hereditary Cancer Syndrome. Identifiers: Orphanet 140162, MedGen C0027672, MeSH D009386, MONDO:0015356.

Allele frequency attached by ClinVar (database versions not stated): gnomAD exomes below 0.00001.
gnomAD v4.1: 1 of 1,611,030 alleles (0.000062%); highest among the groups gnomAD compares: Non-Finnish European, 0.000085%; no homozygotes.

Submission:

Ambry Genetics
Classification: Uncertain significance for Hereditary cancer-predisposing syndrome. Last evaluated: 2023-11-06. Review status: criteria provided, single submitter. Criteria: Ambry Variant Classification Scheme 2023. Collection method: clinical testing. Allele origin: germline.
Comment: The p.Q580E variant (also known as c.1738C>G), located in coding exon 14 of the POT1 gene, results from a C to G substitution at nucleotide position 1738. The glutamine at codon 580 is replaced by glutamic acid, an amino acid with highly similar properties. This amino acid position is conserved. In addition, this alteration is predicted to be tolerated by in silico analysis. Since supporting evidence is limited at this time, the clinical significance of this alteration remains unclear.